The following is an entry in ClinVar:

ClinVar aggregate classification (germline): Conflicting classifications of pathogenicity. Review status: criteria provided, conflicting classifications (1 of 4 stars). 3 submissions from 3 submitters: Uncertain significance (1); Benign (1); Likely benign (1). Last evaluated 2023-10-01.

Conditions:
Retinitis pigmentosa (RP). Identifiers: Orphanet 791, MedGen C0035334, MeSH D012174, MONDO:0019200, OMIM 268000. Inheritance: Autosomal dominant, autosomal recessive and X linked inheritance.
Retinal dystrophy. Also called: Inherited retinal dystrophy. Identifiers: Orphanet 71862, MedGen C0854723, MeSH D058499, MONDO:0019118, HP:0000556.

Allele frequency attached by ClinVar (database versions not stated): gnomAD 0.00003; ExAC 0.00006; 1000 Genomes Project 30x 0.00031; 1000 Genomes Project 0.00040.

Submissions (3):

Dept Of Ophthalmology, Nagoya University
Classification: Benign for Retinal dystrophy. Last evaluated: 2023-10-01. Review status: criteria provided, single submitter. Criteria: Submitter's publication. Collection method: research. Allele origin: germline. Affected: yes.

Labcorp Genetics (formerly Invitae), Labcorp
Classification: Uncertain significance. Last evaluated: 2022-10-18. Review status: criteria provided, single submitter. Criteria: Invitae Variant Classification Sherloc (09022015). Collection method: clinical testing. Allele origin: germline.
Comment: ClinVar contains an entry for this variant (Variation ID: 911289). This variant has not been reported in the literature in individuals affected with GUCA1B-related conditions. This variant is present in population databases (rs202229506, gnomAD 0.04%). This sequence change replaces phenylalanine, which is neutral and non-polar, with leucine, which is neutral and non-polar, at codon 5 of the GUCA1B protein (p.Phe5Leu). Algorithms developed to predict the effect of missense changes on protein structure and function output the following: SIFT: "Tolerated"; PolyPhen-2: "Benign"; Align-GVGD: "Class C0". The leucine amino acid residue is found in multiple mammalian species, which suggests that this missense change does not adversely affect protein function. In summary, the available evidence is currently insufficient to determine the role of this variant in disease. Therefore, it has been classified as a Variant of Uncertain Significance.

Illumina Laboratory Services, Illumina
Classification: Likely benign for Retinitis pigmentosa. Last evaluated: 2018-01-12. Review status: criteria provided, single submitter. Criteria: ICSL Variant Classification Criteria 13 December 2019. Collection method: clinical testing. Allele origin: germline.
Comment: This variant was observed in the ICSL laboratory as part of a predisposition screen in an ostensibly healthy population. It had not been previously curated by ICSL or reported in the Human Gene Mutation Database (HGMD: prior to June 1st, 2018), and was therefore a candidate for classification through an automated scoring system. Utilizing variant allele frequency, disease prevalence and penetrance estimates, and inheritance mode, an automated score was calculated to assess if this variant is too frequent to cause the disease. Based on the score and internal cut-off values, a variant classified as likely benign is not then subjected to further curation. The score for this variant resulted in a classification of likely benign for this disease.

NM_002098.6(GUCA1B):c.15T>G (p.Phe5Leu)

Gene: GUCA1B (guanylate cyclase activator 1B; minus strand). Cytogenetic location: 6p21.1.
Variant type: single nucleotide variant.
Coding change: c.15T>G on transcript NM_002098.6 (MANE Select); coding-DNA position 15, T replaced by G.
Protein change: p.Phe5Leu; replaces phenylalanine 5 with leucine.
Molecular consequence: missense variant.
Genome position (GRCh38, 1-based): chr6:42,194,806, A>C on the plus strand (T>G on the coding strand, the complement: GUCA1B is on the minus strand). VCF-style: chr6-42194806-A-C. GRCh37 (hg19) VCF-style: chr6-42162544-A-C.
Other names: short protein forms F5L.
Identifiers: ClinVar variation 911289 (VCV000911289.10), dbSNP rs202229506, ClinGen allele CA3805670.
Genomic context (GRCh38, chr6:42,194,806, plus strand): 5'-GTACCACTCCTGGAGCTCCGCCACATCTATCTCGCCAGCTGCCTCCGCCTCCTCCCAGCT[A>C]AACTCCTGCCCCATGCTAGCCCTGAGGAGCATCAGGGAGCAAGGGTCTGTATCTCCTCCC-3'
Protein context (NP_002089.4, residues 1-15): MGQE[Phe5Leu]SWEEAEAAGE